The following is an entry in ClinVar:

ClinVar aggregate classification (germline): Uncertain significance (1 of 4 stars; one submission).

Allele frequency attached by ClinVar (database versions not stated): TOPMed below 0.00001.
gnomAD v4.1: 1 of 1,606,732 alleles (0.000062%); no homozygotes.

Submission:

Labcorp Genetics (formerly Invitae), Labcorp
Classification: Uncertain significance. Last evaluated: 2023-06-30. Review status: criteria provided, single submitter. Criteria: Invitae Variant Classification Sherloc (09022015). Collection method: clinical testing. Allele origin: germline.
Comment: In summary, the available evidence is currently insufficient to determine the role of this variant in disease. Therefore, it has been classified as a Variant of Uncertain Significance. Advanced modeling of protein sequence and biophysical properties (such as structural, functional, and spatial information, amino acid conservation, physicochemical variation, residue mobility, and thermodynamic stability) performed at Invitae indicates that this missense variant is not expected to disrupt CEP78 protein function. ClinVar contains an entry for this variant (Variation ID: 1376880). This variant has not been reported in the literature in individuals affected with CEP78-related conditions. This variant is not present in population databases (gnomAD no frequency). This sequence change replaces lysine, which is basic and polar, with glutamic acid, which is acidic and polar, at codon 362 of the CEP78 protein (p.Lys362Glu).

NM_001330691.3(CEP78):c.1081A>G (p.Lys361Glu)

Gene: CEP78 (centrosomal protein 78; plus strand). Cytogenetic location: 9q21.2.
Variant type: single nucleotide variant.
Coding change: c.1081A>G on transcript NM_001330691.3 (MANE Select); coding-DNA position 1081, A replaced by G.
Protein change: p.Lys361Glu; replaces lysine 361 with glutamic acid.
Molecular consequence: missense variant.
Genome position (GRCh38, 1-based): chr9:78,251,919, A>G. VCF-style: chr9-78251919-A-G. GRCh37 (hg19) VCF-style: chr9-80866835-A-G.
Other names: c.1084A>G, p.Lys362Glu (NM_001098802.3, NM_001349839.2, NM_001349840.2 and 1 more transcripts); c.1081A>G, p.Lys361Glu (NM_001330693.3, NM_001330694.2, NM_001349838.2); short protein forms K362E, K361E.
Identifiers: ClinVar variation 1376880 (VCV001376880.5), dbSNP rs1826779631, ClinGen allele CA373858569.